The following is an entry in ClinVar:

ClinVar aggregate classification (germline): Uncertain significance (1 of 4 stars; one submission).

Submission:

Labcorp Genetics (formerly Invitae), Labcorp
Classification: Uncertain significance. Last evaluated: 2021-12-29. Review status: criteria provided, single submitter. Criteria: Invitae Variant Classification Sherloc (09022015). Collection method: clinical testing. Allele origin: germline.
Comment: Algorithms developed to predict the effect of missense changes on protein structure and function output the following: SIFT: "Tolerated"; PolyPhen-2: "Benign"; Align-GVGD: "Class C0". The serine amino acid residue is found in multiple mammalian species, which suggests that this missense change does not adversely affect protein function. This sequence change replaces threonine, which is neutral and polar, with serine, which is neutral and polar, at codon 1353 of the TUBGCP6 protein (p.Thr1353Ser). This variant is not present in population databases (gnomAD no frequency). This variant has not been reported in the literature in individuals affected with TUBGCP6-related conditions. Algorithms developed to predict the effect of sequence changes on RNA splicing suggest that this variant may create or strengthen a splice site. In summary, the available evidence is currently insufficient to determine the role of this variant in disease. Therefore, it has been classified as a Variant of Uncertain Significance.

NM_020461.4(TUBGCP6):c.4058C>G (p.Thr1353Ser)

Gene: TUBGCP6 (tubulin gamma complex component 6; minus strand). Cytogenetic location: 22q13.33.
Variant type: single nucleotide variant.
Coding change: c.4058C>G on transcript NM_020461.4 (MANE Select); coding-DNA position 4058, C replaced by G.
Protein change: p.Thr1353Ser; replaces threonine 1353 with serine.
Molecular consequence: missense variant.
Genome position (GRCh38, 1-based): chr22:50,220,301, G>C on the plus strand (C>G on the coding strand, the complement: TUBGCP6 is on the minus strand). VCF-style: chr22-50220301-G-C. GRCh37 (hg19) VCF-style: chr22-50658730-G-C.
Other names: short protein forms T1353S.
Identifiers: ClinVar variation 2065831 (VCV002065831.4), dbSNP rs987124013, ClinGen allele CA325511624.